The following is an entry in ClinVar:

ClinVar aggregate classification (germline): Uncertain significance (1 of 4 stars; one submission).

Conditions:
Episodic ataxia type 1 (EA1). Also called: Episodic ataxia/myokymia syndrome; ATAXIA, EPISODIC, WITH MYOKYMIA; MYOKYMIA WITH PERIODIC ATAXIA; PAROXYSMAL ATAXIA WITH NEUROMYOTONIA, HEREDITARY. Identifiers: Orphanet 37612, Orphanet 972, MedGen C1719788, MONDO:0008047, OMIM 160120.

Submission:

Labcorp Genetics (formerly Invitae), Labcorp
Classification: Uncertain significance for Episodic ataxia type 1. Last evaluated: 2024-06-19. Review status: criteria provided, single submitter. Criteria: Invitae Variant Classification Sherloc (09022015). Collection method: clinical testing. Allele origin: germline.
Comment: This sequence change replaces aspartic acid, which is acidic and polar, with glycine, which is neutral and non-polar, at codon 460 of the KCNA1 protein (p.Asp460Gly). This variant is not present in population databases (gnomAD no frequency). This variant has not been reported in the literature in individuals affected with KCNA1-related conditions. Advanced modeling of protein sequence and biophysical properties (such as structural, functional, and spatial information, amino acid conservation, physicochemical variation, residue mobility, and thermodynamic stability) performed at Invitae indicates that this missense variant is not expected to disrupt KCNA1 protein function with a negative predictive value of 95%. Algorithms developed to predict the effect of sequence changes on RNA splicing suggest that this variant may create or strengthen a splice site. In summary, the available evidence is currently insufficient to determine the role of this variant in disease. Therefore, it has been classified as a Variant of Uncertain Significance.

NM_000217.3(KCNA1):c.1379A>G (p.Asp460Gly)

Gene: KCNA1 (potassium voltage-gated channel subfamily A member 1; plus strand). Cytogenetic location: 12p13.32.
Variant type: single nucleotide variant.
Coding change: c.1379A>G on transcript NM_000217.3 (MANE Select); coding-DNA position 1379, A replaced by G.
Protein change: p.Asp460Gly; replaces aspartic acid 460 with glycine.
Molecular consequence: missense variant.
Genome position (GRCh38, 1-based): chr12:4,912,757, A>G. VCF-style: chr12-4912757-A-G. GRCh37 (hg19) VCF-style: chr12-5021923-A-G.
Other names: short protein forms D460G.
Identifiers: ClinVar variation 3698787 (VCV003698787.2).